The following is an entry in ClinVar:

NM_000814.6(GABRB3):c.406G>A (p.Val136Met)

Gene: GABRB3 (gamma-aminobutyric acid type A receptor subunit beta3; minus strand). Cytogenetic location: 15q12.
Variant type: single nucleotide variant.
Coding change: c.406G>A on transcript NM_000814.6 (MANE Select); coding-DNA position 406, G replaced by A.
Protein change: p.Val136Met; replaces valine 136 with methionine.
Molecular consequence: missense variant. On other transcripts: non-coding transcript variant (1).
Genome position (GRCh38, 1-based): chr15:26,621,369, C>T on the plus strand (G>A on the coding strand, the complement: GABRB3 is on the minus strand). VCF-style: chr15-26621369-C-T. GRCh37 (hg19) VCF-style: chr15-26866516-C-T.
Other names: c.151G>A, p.Val51Met (NM_001191320.2, NM_001278631.2); c.193G>A, p.Val65Met (NM_001191321.3); c.406G>A, p.Val136Met (NM_021912.5); short protein forms V136M, V51M, V65M.
Identifiers: ClinVar variation 3255155 (VCV003255155.1), dbSNP rs773544664.
Genomic context (GRCh38, chr15:26,621,369, plus strand): 5'-CAGACCTGAGCCCATACAGCACTGTCCCATCAGGGTGAAGACGGATCATGCGGTTTTTCA[C>T]TGTCACTCCATGCACAAATGACTTTTTGTCATTTAAGAAATATGTGTCGGGCACCCATAG-3'
Protein context (NP_000805.1, residues 126-146): DKKSFVHGVT[Val136Met]KNRMIRLHPD

ClinVar aggregate classification (germline): Uncertain significance (1 of 4 stars; one submission).

Conditions:
Developmental and epileptic encephalopathy, 43 (DEE43). Also called: Epileptic encephalopathy, early infantile, 43. Identifiers: MedGen C4310712, MONDO:0014921, OMIM 617113.

Allele frequency attached by ClinVar (database versions not stated): gnomAD exomes below 0.00001.
gnomAD v4.1: 3 of 1,614,168 alleles (0.00019%); highest among the groups gnomAD compares: Non-Finnish European, 0.00025%; no homozygotes.

Submission:

Victorian Clinical Genetics Services, Murdoch Childrens Research Institute
Classification: Uncertain significance for Developmental and epileptic encephalopathy, 43. Last evaluated: 2023-07-17. Review status: criteria provided, single submitter. Criteria: ACMG Guidelines, 2015. Collection method: clinical testing. Allele origin: germline. Inheritance: Autosomal dominant inheritance. Affected: yes.
Comment: Based on the classification scheme VCGS_Germline_v1.3.4, this variant is classified as VUS-3A. Following criteria are met: 0103 - Loss of function and gain of function are known mechanisms of disease in this gene and are associated with developmental and epileptic encephalopathy 43 (MIM#617113). While loss-of-function type variants have been reported, functional studies on several missense variants also demonstrated gain-of-function (PMID: 33585817). (I) 0107 - This gene is associated with autosomal dominant disease. (I) 0112 - The condition associated with this gene has incomplete penetrance. Loss-of-function type variants have been reported to be inherited from unaffected parents (PMID: 28053010). (I) 0200 - Variant is predicted to result in a missense amino acid change from valine to methionine. (I) 0251 - This variant is heterozygous. (I) 0302 - Variant is present in gnomAD (v2) <0.001 for a dominant condition (1 heterozygote, 0 homozygotes). (SP) 0502 - Missense variant with conflicting in silico predictions and uninformative conservation. (I) 0603 - Missense variant in a region that is highly intolerant to missense variation (high constraint region in DECIPHER). (SP) 0705 - No comparable missense variants have previous evidence for pathogenicity. (I) 0807 - This variant has no previous evidence of pathogenicity. (I) 0905 - No published segregation evidence has been identified for this variant. (I) 1007 - No published functional evidence has been identified for this variant. (I) 1208 - Inheritance information for this variant is not currently available in this individual. (I) Legend: (SP) - Supporting pathogenic, (I) - Information, (SB) - Supporting benign

Literature cited by the submitters: PubMed 28053010; PubMed 33585817.